The following is an entry in ClinVar:

NM_012469.4(PRPF6):c.628C>T (p.Leu210Phe)

Gene: PRPF6 (pre-mRNA processing factor 6; plus strand). Cytogenetic location: 20q13.33.
Variant type: single nucleotide variant.
Coding change: c.628C>T on transcript NM_012469.4 (MANE Select); coding-DNA position 628, C replaced by T.
Protein change: p.Leu210Phe; replaces leucine 210 with phenylalanine.
Molecular consequence: missense variant.
Genome position (GRCh38, 1-based): chr20:63,995,339, C>T. VCF-style: chr20-63995339-C-T. GRCh37 (hg19) VCF-style: chr20-62626692-C-T.
Other names: short protein forms L210F.
Identifiers: ClinVar variation 942604 (VCV000942604.11), dbSNP rs754621830, ClinGen allele CA317525202.

ClinVar aggregate classification (germline): Uncertain significance. Review status: criteria provided, multiple submitters, no conflicts (2 of 4 stars). 3 submissions from 3 submitters: Uncertain significance (3). Last evaluated 2025-09-01.

Allele frequency attached by ClinVar (database versions not stated): gnomAD exomes below 0.00001 and 0.00002; gnomAD 0.00001; TOPMed 0.00001.
gnomAD v4.1: 33 of 1,612,460 alleles (0.002%); highest among the groups gnomAD compares: Non-Finnish European, 0.0028%; no homozygotes.

Submissions (3):

Ambry Genetics
Classification: Uncertain significance. Last evaluated: 2025-09-01. Review status: criteria provided, single submitter. Criteria: Ambry Variant Classification Scheme 2023. Collection method: clinical testing. Allele origin: germline.

Blueprint Genetics
Classification: Uncertain significance. Last evaluated: 2021-06-10. Review status: criteria provided, single submitter. Criteria: ACMG Guidelines, 2015. Collection method: clinical testing. Allele origin: germline.

Labcorp Genetics (formerly Invitae), Labcorp
Classification: Uncertain significance. Last evaluated: 2020-09-09. Review status: criteria provided, single submitter. Criteria: Invitae Variant Classification Sherloc (09022015). Collection method: clinical testing. Allele origin: germline.
Comment: This sequence change replaces leucine with phenylalanine at codon 210 of the PRPF6 protein (p.Leu210Phe). The leucine residue is highly conserved and there is a small physicochemical difference between leucine and phenylalanine. In summary, the available evidence is currently insufficient to determine the role of this variant in disease. Therefore, it has been classified as a Variant of Uncertain Significance. Algorithms developed to predict the effect of missense changes on protein structure and function are either unavailable or do not agree on the potential impact of this missense change (SIFT: "Deleterious"; PolyPhen-2: "Benign"; Align-GVGD: "Class C0"). This variant has not been reported in the literature in individuals with PRPF6-related conditions. This variant is not present in population databases (ExAC no frequency).